The following is an entry in ClinVar:

NM_015466.4(PTPN23):c.3548G>A (p.Gly1183Asp)

Gene: PTPN23 (protein tyrosine phosphatase non-receptor type 23; plus strand). Cytogenetic location: 3p21.31.
Variant type: single nucleotide variant.
Coding change: c.3548G>A on transcript NM_015466.4 (MANE Select); coding-DNA position 3548, G replaced by A.
Protein change: p.Gly1183Asp; replaces glycine 1183 with aspartic acid.
Molecular consequence: missense variant.
Genome position (GRCh38, 1-based): chr3:47,411,346, G>A. VCF-style: chr3-47411346-G-A. GRCh37 (hg19) VCF-style: chr3-47452836-G-A.
Other names: c.3170G>A, p.Gly1057Asp (NM_001304482.2); short protein forms G1057D, G1183D.
Identifiers: ClinVar variation 1986753 (VCV001986753.1), dbSNP rs750765331, ClinGen allele CA2366305.
Genomic context (GRCh38, chr3:47,411,346, plus strand): 5'-ACCCCTATGAGCATCCTGAGAGGCTGCGGCAGTTGCAGCAGGAGCTGGAGGCCTTTCGGG[G>A]TCAGCTGGGGGATGTGGGAGCTCTGGACACTGTCTGGCGAGAGCTGCAAGATGCGCAGGA-3'
Protein context (NP_056281.1, residues 1173-1193): QLQQELEAFR[Gly1183Asp]QLGDVGALDT

ClinVar aggregate classification (germline): Uncertain significance (1 of 4 stars; one submission).

Allele frequency attached by ClinVar (database versions not stated): ExAC 0.00004; TOPMed 0.00006; gnomAD 0.00007.
gnomAD v4.1: 29 of 1,612,838 alleles (0.0018%); highest among the groups gnomAD compares: African/African-American, 0.02%; no homozygotes.

Submission:

Labcorp Genetics (formerly Invitae), Labcorp
Classification: Uncertain significance. Last evaluated: 2022-01-15. Review status: criteria provided, single submitter. Criteria: Invitae Variant Classification Sherloc (09022015). Collection method: clinical testing. Allele origin: germline.
Comment: This sequence change replaces glycine, which is neutral and non-polar, with aspartic acid, which is acidic and polar, at codon 1183 of the PTPN23 protein (p.Gly1183Asp). This variant is present in population databases (rs750765331, gnomAD 0.03%), including at least one homozygous and/or hemizygous individual. This variant has not been reported in the literature in individuals affected with PTPN23-related conditions. Algorithms developed to predict the effect of missense changes on protein structure and function (SIFT, PolyPhen-2, Align-GVGD) all suggest that this variant is likely to be tolerated. In summary, the available evidence is currently insufficient to determine the role of this variant in disease. Therefore, it has been classified as a Variant of Uncertain Significance.